The following is an entry in ClinVar:

ClinVar aggregate classification (germline): Conflicting classifications of pathogenicity. Review status: criteria provided, conflicting classifications (1 of 4 stars). 4 submissions from 4 submitters: Uncertain significance (3); Benign (1). Last evaluated 2025-11-12.

Conditions:
Primary ciliary dyskinesia. Also called: Ciliary dyskinesia. Identifiers: Orphanet 244, MedGen C0008780, MONDO:0016575, HP:0012265.

Allele frequency attached by ClinVar (database versions not stated): gnomAD exomes 0.00001; ExAC 0.00002; ESP Exome Variant Server 0.00008; TOPMed 0.00014; gnomAD 0.00018; 1000 Genomes Project 0.00020; 1000 Genomes Project 30x 0.00031.
gnomAD v4.1: 52 of 1,614,040 alleles (0.0032%); highest among the groups gnomAD compares: African/African-American, 0.051%; no homozygotes.

Submissions (4):

Ambry Genetics
Classification: Uncertain significance for Primary ciliary dyskinesia. Last evaluated: 2025-11-12. Review status: criteria provided, single submitter. Criteria: Ambry Variant Classification Scheme 2023. Collection method: clinical testing. Allele origin: germline.

Labcorp Genetics (formerly Invitae), Labcorp
Classification: Benign for Primary ciliary dyskinesia. Last evaluated: 2025-10-14. Review status: criteria provided, single submitter. Criteria: Invitae Variant Classification Sherloc (09022015). Collection method: clinical testing. Allele origin: germline.

Mayo Clinic Laboratories, Mayo Clinic
Classification: Uncertain significance. Last evaluated: 2025-02-07. Review status: criteria provided, single submitter. Criteria: ACMG Guidelines, 2015. Collection method: clinical testing. Allele origin: germline. Observed: 1 variant allele.
Comment: PM2_supporting

Blueprint Genetics
Classification: Uncertain significance. Last evaluated: 2022-10-10. Review status: criteria provided, single submitter. Criteria: ACMG Guidelines, 2015. Collection method: clinical testing. Allele origin: germline.

NM_001369.3(DNAH5):c.8746C>G (p.Leu2916Val)

Gene: DNAH5 (dynein axonemal heavy chain 5; minus strand). Cytogenetic location: 5p15.2.
Variant type: single nucleotide variant.
Coding change: c.8746C>G on transcript NM_001369.3 (MANE Select); coding-DNA position 8746, C replaced by G.
Protein change: p.Leu2916Val; replaces leucine 2916 with valine.
Molecular consequence: missense variant.
Genome position (GRCh38, 1-based): chr5:13,786,253, G>C on the plus strand (C>G on the coding strand, the complement: DNAH5 is on the minus strand). VCF-style: chr5-13786253-G-C. GRCh37 (hg19) VCF-style: chr5-13786362-G-C.
Other names: p.Leu2916Val; c.8746C>G (NM_001369.2); short protein forms L2916V.
Identifiers: ClinVar variation 2046875 (VCV002046875.6), dbSNP rs373025050, ClinGen allele CA3202752.